The following is an entry in ClinVar:

ClinVar aggregate classification (germline): Uncertain significance (1 of 4 stars; one submission).

Conditions:
Microcephaly, developmental delay, and brittle hair syndrome. Identifiers: MedGen C5394425, MONDO:0030047, OMIM 618891.

Allele frequency attached by ClinVar (database versions not stated): gnomAD exomes 0.00001.
gnomAD v4.1: 3 of 1,613,760 alleles (0.00019%); highest among the groups gnomAD compares: East Asian, 0.0022%; no homozygotes.

Submission:

Victorian Clinical Genetics Services, Murdoch Childrens Research Institute
Classification: Uncertain significance for Microcephaly, developmental delay, and brittle hair syndrome. Last evaluated: 2020-07-02. Review status: criteria provided, single submitter. Criteria: ACMG Guidelines, 2015. Collection method: clinical testing. Allele origin: germline. Inheritance: Autosomal recessive inheritance. Affected: yes.
Comment: Based on the classification scheme VCGS_Germline_v1.1.1, this variant is classified as VUS - 3B. Following criteria are met: 0102 - Loss-of-function is a known mechanism of disease for this gene. (N) 0106 - This gene is known to be associated with autosomal recessive disease. (N) 0200 - Variant is predicted to result in a missense amino acid change from isoleucine to threonine (exon 8). (N) 0251 - Variant is heterozygous. (N) 0301 - Variant is absent from gnomAD. (P) 0309 - An alternative amino acid change at the same position has been observed in gnomAD (1 heterozygote, 0 homozygotes). (N) 0502 - Missense variant with conflicting in silico predictions and/or uninformative conservation. (N) 0600 - Variant is located in an annotated domain or motif (catalytic domain; PMID: 30824121). (N) 0705 - No comparable variants have previous evidence for pathogenicity. (N) 0807 - Variant has not previously been reported in a clinical context. (N) 0905 - No segregation evidence has been identified for this variant. (N) 1007 - No published functional evidence has been identified for this variant. (N) 1208 - Inheritance information for this variant is not currently available. (N) Legend: (P) - Pathogenic, (N) - Neutral, (B) - Benign

Literature cited by the submitters: PubMed 30824121.

NM_001014437.3(CARS1):c.1013T>C (p.Ile338Thr)

Gene: CARS1 (cysteinyl-tRNA synthetase 1; minus strand). Cytogenetic location: 11p15.4.
Variant type: single nucleotide variant.
Coding change: c.1013T>C on transcript NM_001014437.3 (MANE Select); coding-DNA position 1013, T replaced by C.
Protein change: p.Ile338Thr; replaces isoleucine 338 with threonine.
Molecular consequence: missense variant. On other transcripts: non-coding transcript variant (4).
Genome position (GRCh38, 1-based): chr11:3,029,014, A>G on the plus strand (T>C on the coding strand, the complement: CARS1 is on the minus strand). VCF-style: chr11-3029014-A-G. GRCh37 (hg19) VCF-style: chr11-3050244-A-G.
Other names: c.1013T>C, p.Ile338Thr (NM_001194997.2); c.803T>C, p.Ile268Thr (NM_001378136.1); c.734T>C, p.Ile245Thr (NM_001378137.1, NM_001378138.1, NM_001378139.1); c.488T>C, p.Ile163Thr (NM_001378140.1); c.764T>C, p.Ile255Thr (NM_001751.6, NM_139273.4); short protein forms I163T, I245T, I255T, I268T, I338T.
Identifiers: ClinVar variation 1699428 (VCV001699428.3), dbSNP rs1852411252, ClinGen allele CA379141437.